The following is an entry in ClinVar:

NM_001853.4(COL9A3):c.1756A>C (p.Thr586Pro)

Gene: COL9A3 (collagen type IX alpha 3 chain; plus strand). Cytogenetic location: 20q13.33.
Variant type: single nucleotide variant.
Coding change: c.1756A>C on transcript NM_001853.4 (MANE Select); coding-DNA position 1756, A replaced by C.
Protein change: p.Thr586Pro; replaces threonine 586 with proline.
Molecular consequence: missense variant.
Genome position (GRCh38, 1-based): chr20:62,837,235, A>C. VCF-style: chr20-62837235-A-C. GRCh37 (hg19) VCF-style: chr20-61468587-A-C.
Other names: c.1756A>C, p.Thr586Pro (LRG_1253t1); short protein forms T586P.
Identifiers: ClinVar variation 339305 (VCV000339305.58), dbSNP rs145821912, ClinGen allele CA9950183.

ClinVar aggregate classification (germline): Conflicting classifications of pathogenicity. Review status: criteria provided, conflicting classifications (1 of 4 stars). 6 submissions from 6 submitters: Uncertain significance (4); Likely benign (2). Last evaluated 2026-01-08.

Conditions:
Inborn genetic diseases. Identifiers: MedGen C0950123, MeSH D030342.
Stickler syndrome. Identifiers: Orphanet 828, MedGen C0265253, MONDO:0019354.

Allele frequency attached by ClinVar (database versions not stated): ESP Exome Variant Server 0.00015; gnomAD exomes 0.00024 and 0.00031; gnomAD 0.00025 and 0.00028; TOPMed 0.00026; ExAC 0.00035.
gnomAD v4.1: 384 of 1,611,576 alleles (0.024%); highest among the groups gnomAD compares: Middle Eastern, 0.033%; no homozygotes.

Submissions (6):

Labcorp Genetics (formerly Invitae), Labcorp
Classification: Likely benign. Last evaluated: 2026-01-08. Review status: criteria provided, single submitter. Criteria: Invitae Variant Classification Sherloc (09022015). Collection method: clinical testing. Allele origin: germline.

GeneDx
Classification: Uncertain significance. Last evaluated: 2025-09-10. Review status: criteria provided, single submitter. Criteria: GeneDx Variant Classification Process June 2021. Collection method: clinical testing. Allele origin: germline. Affected: yes.
Comment: Has not been previously published as pathogenic or benign to our knowledge; In silico analysis indicates that this missense variant does not alter protein structure/function

Blueprint Genetics
Classification: Likely benign. Last evaluated: 2024-10-02. Review status: criteria provided, single submitter. Criteria: ACMG Guidelines, 2015. Collection method: clinical testing. Allele origin: germline.

Ambry Genetics
Classification: Uncertain significance for Inborn genetic diseases. Last evaluated: 2021-08-02. Review status: criteria provided, single submitter. Criteria: Ambry Variant Classification Scheme 2023. Collection method: clinical testing. Allele origin: germline.

Department of Pathology and Laboratory Medicine, Sinai Health System
Classification: Uncertain significance for Stickler syndrome. Last evaluated: 2020-07-17. Review status: criteria provided, single submitter. Criteria: ACMG Guidelines, 2015. Collection method: research. Allele origin: germline.

CeGaT Center for Human Genetics Tuebingen
Classification: Uncertain significance. Last evaluated: 2019-03-01. Review status: criteria provided, single submitter. Criteria: CeGaT Center For Human Genetics Tuebingen Variant Classification Criteria Version 2. Collection method: clinical testing. Allele origin: germline. Affected: yes. Observed: 1 variant allele.